The following is an entry in ClinVar:

ClinVar aggregate classification (germline): Uncertain significance (1 of 4 stars; one submission).

Submission:

Labcorp Genetics (formerly Invitae), Labcorp
Classification: Uncertain significance. Last evaluated: 2024-10-24. Review status: criteria provided, single submitter. Criteria: Invitae Variant Classification Sherloc (09022015). Collection method: clinical testing. Allele origin: germline.
Comment: This sequence change replaces proline, which is neutral and non-polar, with serine, which is neutral and polar, at codon 390 of the EGF protein (p.Pro390Ser). This variant is not present in population databases (gnomAD no frequency). This variant has not been reported in the literature in individuals affected with EGF-related conditions. An algorithm developed to predict the effect of missense changes on protein structure and function outputs the following: PolyPhen-2: "Possibly Damaging". The serine amino acid residue is found in multiple mammalian species, which suggests that this missense change does not adversely affect protein function. Algorithms developed to predict the effect of sequence changes on RNA splicing suggest that this variant may disrupt the consensus splice site. In summary, the available evidence is currently insufficient to determine the role of this variant in disease. Therefore, it has been classified as a Variant of Uncertain Significance.

NM_001963.6(EGF):c.1168C>T (p.Pro390Ser)

Gene: EGF (epidermal growth factor; plus strand). Cytogenetic location: 4q25.
Variant type: single nucleotide variant.
Coding change: c.1168C>T on transcript NM_001963.6 (MANE Select); coding-DNA position 1168, C replaced by T.
Protein change: p.Pro390Ser; replaces proline 390 with serine.
Molecular consequence: missense variant.
Genome position (GRCh38, 1-based): chr4:109,960,968, C>T. VCF-style: chr4-109960968-C-T. GRCh37 (hg19) VCF-style: chr4-110882124-C-T.
Other names: c.1168C>T, p.Pro390Ser (NM_001178130.3); c.1042C>T, p.Pro348Ser (NM_001178131.3, NM_001357021.2); short protein forms P390S, P348S.
Identifiers: ClinVar variation 3723623 (VCV003723623.2).